The following is an entry in ClinVar:

NM_000199.5(SGSH):c.975G>T (p.Trp325Cys)

Gene: SGSH (N-sulfoglucosamine sulfohydrolase; minus strand). Cytogenetic location: 17q25.3.
Variant type: single nucleotide variant.
Coding change: c.975G>T on transcript NM_000199.5 (MANE Select); coding-DNA position 975, G replaced by T.
Protein change: p.Trp325Cys; replaces tryptophan 325 with cysteine.
Molecular consequence: missense variant. On other transcripts: 3 prime UTR variant (2), non-coding transcript variant (1).
Genome position (GRCh38, 1-based): chr17:80,210,986, C>A on the plus strand (G>T on the coding strand, the complement: SGSH is on the minus strand). VCF-style: chr17-80210986-C-A. GRCh37 (hg19) VCF-style: chr17-78184785-C-A.
Other names: c.*62G>T (NM_001352921.3); c.*25G>T (NM_001352922.2); short protein forms W325C.
Identifiers: ClinVar variation 1476395 (VCV001476395.6), dbSNP rs201413321, ClinGen allele CA294891180.

ClinVar aggregate classification (germline): Likely pathogenic (1 of 4 stars; one submission).

Conditions:
Mucopolysaccharidosis, MPS-III-A (MPS3A). Also called: HEPARAN SULFATE SULFATASE DEFICIENCY; SANFILIPPO SYNDROME A; SULFAMIDASE DEFICIENCY; MPS III A; MPS IIIA (Sanfilippo Syndrome Type A); Mucopolysaccharidosis type IIIA (Sanfilippo A). Identifiers: Orphanet 581, Orphanet 79269, MedGen C0086647, MONDO:0009655, OMIM 252900.

Allele frequency attached by ClinVar (database versions not stated): gnomAD exomes below 0.00001; gnomAD 0.00001; TOPMed 0.00001.
gnomAD v4.1: 6 of 1,598,938 alleles (0.00038%); highest among the groups gnomAD compares: Non-Finnish European, 0.00051%; no homozygotes.

Submission:

Labcorp Genetics (formerly Invitae), Labcorp
Classification: Likely pathogenic for Mucopolysaccharidosis, MPS-III-A. Last evaluated: 2023-02-10. Review status: criteria provided, single submitter. Criteria: Invitae Variant Classification Sherloc (09022015). Collection method: clinical testing. Allele origin: germline.
Comment: This missense change has been observed in individual(s) with mucopolysaccharidosis type IIIA (external communication). In at least one individual the data is consistent with being in trans (on the opposite chromosome) from a pathogenic variant. This sequence change replaces tryptophan, which is neutral and slightly polar, with cysteine, which is neutral and slightly polar, at codon 325 of the SGSH protein (p.Trp325Cys). This variant is not present in population databases (gnomAD no frequency). ClinVar contains an entry for this variant (Variation ID: 1476395). Advanced modeling of protein sequence and biophysical properties (such as structural, functional, and spatial information, amino acid conservation, physicochemical variation, residue mobility, and thermodynamic stability) performed at Invitae indicates that this missense variant is expected to disrupt SGSH protein function. Algorithms developed to predict the effect of sequence changes on RNA splicing suggest that this variant may create or strengthen a splice site. In summary, the currently available evidence indicates that the variant is pathogenic, but additional data are needed to prove that conclusively. Therefore, this variant has been classified as Likely Pathogenic.